The following is an entry in ClinVar:

ClinVar aggregate classification (germline): Uncertain significance (1 of 4 stars; one submission).

Allele frequency attached by ClinVar (database versions not stated): gnomAD 0.00001.
gnomAD v4.1: 1 of 1,613,230 alleles (0.000062%); highest among the groups gnomAD compares: African/African-American, 0.0013%; no homozygotes.

Submission:

Labcorp Genetics (formerly Invitae), Labcorp
Classification: Uncertain significance. Last evaluated: 2022-10-24. Review status: criteria provided, single submitter. Criteria: Invitae Variant Classification Sherloc (09022015). Collection method: clinical testing. Allele origin: germline.
Comment: This sequence change replaces tryptophan, which is neutral and slightly polar, with cysteine, which is neutral and slightly polar, at codon 12 of the ABCA4 protein (p.Trp12Cys). This variant is not present in population databases (gnomAD no frequency). This variant has not been reported in the literature in individuals affected with ABCA4-related conditions. ClinVar contains an entry for this variant (Variation ID: 1352535). Advanced modeling of protein sequence and biophysical properties (such as structural, functional, and spatial information, amino acid conservation, physicochemical variation, residue mobility, and thermodynamic stability) performed at Invitae indicates that this missense variant is expected to disrupt ABCA4 protein function. In summary, the available evidence is currently insufficient to determine the role of this variant in disease. Therefore, it has been classified as a Variant of Uncertain Significance.

NM_000350.3(ABCA4):c.36G>C (p.Trp12Cys)

Gene: ABCA4 (ATP binding cassette subfamily A member 4; minus strand). Cytogenetic location: 1p22.1.
Variant type: single nucleotide variant.
Coding change: c.36G>C on transcript NM_000350.3 (MANE Select); coding-DNA position 36, G replaced by C.
Protein change: p.Trp12Cys; replaces tryptophan 12 with cysteine.
Molecular consequence: missense variant.
Genome position (GRCh38, 1-based): chr1:94,121,010, C>G on the plus strand (G>C on the coding strand, the complement: ABCA4 is on the minus strand). VCF-style: chr1-94121010-C-G. GRCh37 (hg19) VCF-style: chr1-94586566-C-G.
Other names: c.36G>C, p.Trp12Cys (NM_001425324.1); short protein forms W12C.
Identifiers: ClinVar variation 1352535 (VCV001352535.6), dbSNP rs761209432, ClinGen allele CA341288721.